The following is an entry in ClinVar:

NM_003901.4(SGPL1):c.1266_1267del (p.Gln422fs)

Gene: SGPL1 (sphingosine-1-phosphate lyase 1; plus strand). Cytogenetic location: 10q22.1.
Variant type: Deletion.
Coding change: c.1266_1267del on transcript NM_003901.4 (MANE Select); coding-DNA positions 1266 to 1267, 2 bases deleted (GA; older notation c.1266_1267delGA).
Protein change: p.Gln422fs; shifts the reading frame from glutamine 422.
Molecular consequence: frameshift variant.
Genome position (GRCh38, 1-based): chr10:70,873,557-70,873,558, GA deleted; deleting any 2 consecutive bases within chr10:70,873,556-70,873,558 gives the same sequence; the c. name uses the placement nearest the transcript's 3' end. VCF-style (leftmost placement, unchanged base first): chr10-70873555-CAG-C. GRCh37 (hg19) VCF-style: chr10-72633312-CAG-C.
Other names: short protein forms Q422fs.
Identifiers: ClinVar variation 2050780 (VCV002050780.4), dbSNP rs2492804665, ClinGen allele CA2580081790.

ClinVar aggregate classification (germline): Pathogenic (1 of 4 stars; one submission).

Submission:

Labcorp Genetics (formerly Invitae), Labcorp
Classification: Pathogenic. Last evaluated: 2025-06-12. Review status: criteria provided, single submitter. Criteria: Invitae Variant Classification Sherloc (09022015). Collection method: clinical testing. Allele origin: germline.
Comment: This sequence change creates a premature translational stop signal (p.Gln422Hisfs*35) in the SGPL1 gene. It is expected to result in an absent or disrupted protein product. Loss-of-function variants in SGPL1 are known to be pathogenic (PMID: 28165339, 28165343). This variant is not present in population databases (gnomAD no frequency). This variant has not been reported in the literature in individuals affected with SGPL1-related conditions. ClinVar contains an entry for this variant (Variation ID: 2050780). Algorithms developed to predict the effect of sequence changes on RNA splicing suggest that this variant may disrupt the consensus splice site. For these reasons, this variant has been classified as Pathogenic.

Literature cited by the submitters: PubMed 28165339; PubMed 28165343.